The following is an entry in ClinVar:

ClinVar aggregate classification (germline): Benign/Likely benign. Review status: criteria provided, multiple submitters, no conflicts (2 of 4 stars). 3 submissions from 3 submitters: Benign (1); Likely benign (1). 1 of the submissions does not count toward it. Last evaluated 2025-01-13.

Conditions:
CHD4-related disorder. Also called: CHD4-related condition.

Allele frequency attached by ClinVar (database versions not stated): gnomAD exomes 0.00008 and 0.00018; ExAC 0.00021; 1000 Genomes Project 0.00040; 1000 Genomes Project 30x 0.00047; gnomAD 0.00056 and 0.00060; TOPMed 0.00067; ESP Exome Variant Server 0.00077.
gnomAD v4.1: 202 of 1,614,186 alleles (0.013%); highest among the groups gnomAD compares: African/African-American, 0.26%; no homozygotes.

Submissions (3):

Labcorp Genetics (formerly Invitae), Labcorp
Classification: Benign. Last evaluated: 2025-01-13. Review status: criteria provided, single submitter. Criteria: Invitae Variant Classification Sherloc (09022015). Collection method: clinical testing. Allele origin: germline.

Blueprint Genetics
Classification: Likely benign. Last evaluated: 2023-08-17. Review status: criteria provided, single submitter. Criteria: ACMG Guidelines, 2015. Collection method: clinical testing. Allele origin: germline.

PreventionGenetics, part of Exact Sciences
Classification: Likely benign for CHD4-related condition. Last evaluated: 2019-03-05. Review status: no assertion criteria provided. Collection method: clinical testing. Allele origin: germline. Not counted in ClinVar's aggregate classification.
Comment: This variant is classified as likely benign based on ACMG/AMP sequence variant interpretation guidelines (Richards et al. 2015 PMID: 25741868, with internal and published modifications).

NM_001273.5(CHD4):c.1209G>A (p.Lys403=)

Gene: CHD4 (chromodomain helicase DNA binding protein 4; minus strand). Cytogenetic location: 12p13.31.
Variant type: single nucleotide variant.
Coding change: c.1209G>A on transcript NM_001273.5 (MANE Select); coding-DNA position 1209, G replaced by A.
Protein change: p.Lys403=; no amino-acid change (lysine 403 retained).
Molecular consequence: synonymous variant.
Genome position (GRCh38, 1-based): chr12:6,600,250, C>T on the plus strand (G>A on the coding strand, the complement: CHD4 is on the minus strand). VCF-style: chr12-6600250-C-T. GRCh37 (hg19) VCF-style: chr12-6709416-C-T.
Other names: c.1188G>A, p.Lys396= (NM_001297553.2); c.1170G>A, p.Lys390= (NM_001363606.2).
Identifiers: ClinVar variation 761283 (VCV000761283.12), dbSNP rs149884399, ClinGen allele CA6412296.